The following is an entry in ClinVar:

NM_198252.3(GSN):c.998G>A (p.Gly333Asp)

Gene: GSN (gelsolin; plus strand). Cytogenetic location: 9q33.2.
Variant type: single nucleotide variant.
Coding change: c.998G>A on transcript NM_198252.3 (MANE Select); coding-DNA position 998, G replaced by A.
Protein change: p.Gly333Asp; replaces glycine 333 with aspartic acid.
Molecular consequence: missense variant.
Genome position (GRCh38, 1-based): chr9:121,318,687, G>A. VCF-style: chr9-121318687-G-A. GRCh37 (hg19) VCF-style: chr9-124080965-G-A.
Other names: c.1151G>A, p.Gly384Asp (NM_000177.5); c.998G>A, p.Gly333Asp (NM_001127662.2, NM_001127664.2, NM_001127665.2 and 10 more transcripts); c.1106G>A, p.Gly369Asp (NM_001127663.2); c.1031G>A, p.Gly344Asp (NM_001127666.2, NM_001127667.2, NM_001353063.2 and 13 more transcripts); c.1049G>A, p.Gly350Asp (NM_001258029.2); c.1022G>A, p.Gly341Asp (NM_001258030.2); c.1070G>A, p.Gly357Asp (NM_001353076.2); c.344G>A, p.Gly115Asp (NM_001353078.2); short protein forms G333D, G369D, G350D, G115D, G341D, G344D, G357D, G384D.
Identifiers: ClinVar variation 1734175 (VCV001734175.2), dbSNP rs1014328091, ClinGen allele CA374746592.

ClinVar aggregate classification (germline): Uncertain significance (1 of 4 stars; one submission).

Conditions:
Inborn genetic diseases. Identifiers: MedGen C0950123, MeSH D030342.

Submission:

Ambry Genetics
Classification: Uncertain significance for Inborn genetic diseases. Last evaluated: 2021-07-30. Review status: criteria provided, single submitter. Criteria: Ambry Variant Classification Scheme 2023. Collection method: clinical testing. Allele origin: germline.
Comment: The p.G384D variant (also known as c.1151G>A), located in coding exon 9 of the GSN gene, results from a G to A substitution at nucleotide position 1151. The glycine at codon 384 is replaced by aspartic acid, an amino acid with similar properties. This amino acid position is highly conserved in available vertebrate species. In addition, this alteration is predicted to be deleterious by in silico analysis. Since supporting evidence is limited at this time, the clinical significance of this alteration remains unclear.